The following is an entry in ClinVar:

ClinVar aggregate classification (germline): Pathogenic. Review status: criteria provided, multiple submitters, no conflicts (2 of 4 stars). 4 submissions from 4 submitters: Pathogenic (4). Last evaluated 2025-11-25.

Conditions:
Pulmonary hypertension, neonatal, susceptibility to (PHN). Identifiers: MedGen C3714958, MONDO:0014151, OMIM 615371.
Congenital hyperammonemia, type I. Also called: Carbamoyl phosphate synthetase I deficiency disease; Carbamoyl-phosphate synthase I deficiency; CPS I DEFICIENCY; Carbamoyl phosphate synthetase 1 deficiency; Hyperammonemia due to carbamoyl phosphate synthetase 1 deficiency; CPS 1 deficiency. Identifiers: Orphanet 147, MedGen C4082171, MONDO:0009376, OMIM 237300.

gnomAD v4.1: 5 of 1,613,960 alleles (0.00031%); highest among the groups gnomAD compares: East Asian, 0.0022%; no homozygotes.

Submissions (4):

Labcorp Genetics (formerly Invitae), Labcorp
Classification: Pathogenic for Congenital hyperammonemia, type I. Last evaluated: 2025-11-25. Review status: criteria provided, single submitter. Criteria: Invitae Variant Classification Sherloc (09022015). Collection method: clinical testing. Allele origin: germline.
Comment: This sequence change creates a premature translational stop signal (p.Arg1174*) in the CPS1 gene. It is expected to result in an absent or disrupted protein product. Loss-of-function variants in CPS1 are known to be pathogenic (PMID: 21120950). This variant is present in population databases (rs756337473, gnomAD 0.003%). This premature translational stop signal has been observed in individual(s) with CPS1-related conditions (PMID: 21120950). ClinVar contains an entry for this variant (Variation ID: 1076647). For these reasons, this variant has been classified as Pathogenic.

Natera, Inc.
Classification: Pathogenic for Carbamoyl-phosphate synthase I deficiency. Last evaluated: 2024-10-08. Review status: criteria provided, single submitter. Criteria: Natera Variant Classification Schema (03/2026). Collection method: clinical testing. Allele origin: germline.
Comment: The c.3520C>T variant in CPS1 is a nonsense variant predicted to introduce a stop codon at amino acid 1174. This variant is expected to result in nonsense mediated decay, truncation, or a dysfunctional protein product. This variant is rare in the general population with a frequency below the threshold expected for the associated phenotype(s). This variant has been observed in one or more individuals affected with the associated recessive disease, as either homozygous or compound heterozygous with a second variant (PMID: 33611823, 33309754). Given the available evidence, this variant is classified as Pathogenic.

Baylor Genetics
Classification: Pathogenic for Pulmonary hypertension, neonatal, susceptibility to. Last evaluated: 2023-11-15. Review status: criteria provided, single submitter. Criteria: ACMG Guidelines, 2015. Collection method: clinical testing. Allele origin: unknown.

Juno Genomics, Hangzhou Juno Genomics, Inc
Classification: Pathogenic for Congenital hyperammonemia, type I. Review status: criteria provided, single submitter. Criteria: ACMG Guidelines, 2015. Collection method: clinical testing. Allele origin: germline. Affected: yes.
Comment: Absent from controls (or at extremely low frequency if recessive) in Genome Aggregation Database.;Null variant in a gene where loss of function (LOF) is a known mechanism of disease.;For recessive disorders, detected in trans with a pathogenic variant.

Literature cited by the submitters: PubMed 21120950 (cited by Labcorp Genetics (formerly Invitae), Labcorp); PubMed 33611823 (cited by Natera, Inc.); PubMed 33309754 (cited by Natera, Inc.).

NM_001875.5(CPS1):c.3520C>T (p.Arg1174Ter)

Gene: CPS1 (carbamoyl-phosphate synthase 1; plus strand). Cytogenetic location: 2q34.
Variant type: single nucleotide variant.
Coding change: c.3520C>T on transcript NM_001875.5 (MANE Select); coding-DNA position 3520, C replaced by T.
Protein change: p.Arg1174Ter; replaces arginine 1174 with a stop codon.
Molecular consequence: nonsense. On other transcripts: non-coding transcript variant (2).
Genome position (GRCh38, 1-based): chr2:210,654,064, C>T. VCF-style: chr2-210654064-C-T. GRCh37 (hg19) VCF-style: chr2-211518788-C-T.
Other names: c.3520C>T, p.Arg1174Ter (NM_001122633.3, NM_001369257.1); c.3553C>T, p.Arg1185Ter (NM_001369256.1); c.3520C>T (NM_001875.4); short protein forms R1174*, R1185*.
Identifiers: ClinVar variation 1076647 (VCV001076647.10), dbSNP rs756337473, ClinGen allele CA2086972.